The following is an entry in ClinVar:

ClinVar aggregate classification (germline): Uncertain significance (1 of 4 stars; one submission).

Conditions:
Periodic fever-infantile enterocolitis-autoinflammatory syndrome. Also called: Autoinflammation with infantile enterocolitis. Identifiers: Orphanet 436166, MedGen C4015067, MONDO:0014472, OMIM 616050.
Familial cold autoinflammatory syndrome 4 (FCAS4). Identifiers: Orphanet 47045, Orphanet 576349, MedGen C4015276, MONDO:0014498, OMIM 616115.

Submission:

Labcorp Genetics (formerly Invitae), Labcorp
Classification: Uncertain significance for Periodic fever-infantile enterocolitis-autoinflammatory syndrome; Familial cold autoinflammatory syndrome 4. Last evaluated: 2024-01-08. Review status: criteria provided, single submitter. Criteria: Invitae Variant Classification Sherloc (09022015). Collection method: clinical testing. Allele origin: germline.
Comment: This sequence change creates a premature translational stop signal (p.Asp854Ilefs*11) in the NLRC4 gene. It is expected to result in an absent or disrupted protein product. However, the current clinical and genetic evidence is not sufficient to establish whether loss-of-function variants in NLRC4 cause disease. This variant is present in population databases (no rsID available, gnomAD 0.0009%). This variant has not been reported in the literature in individuals affected with NLRC4-related conditions. ClinVar contains an entry for this variant (Variation ID: 1037041). Algorithms developed to predict the effect of sequence changes on RNA splicing suggest that this variant may disrupt the consensus splice site. In summary, the available evidence is currently insufficient to determine the role of this variant in disease. Therefore, it has been classified as a Variant of Uncertain Significance.

NM_001199138.2(NLRC4):c.2560_2564del (p.Asp854fs)

Gene: NLRC4 (NLR family CARD domain containing 4; minus strand). Cytogenetic location: 2p22.3.
Variant type: Deletion.
Coding change: c.2560_2564del on transcript NM_001199138.2 (MANE Select); coding-DNA positions 2560 to 2564, 5 bases deleted (GATTT; older notation c.2560_2564delGATTT).
Protein change: p.Asp854fs; shifts the reading frame from aspartic acid 854.
Molecular consequence: frameshift variant.
Genome position (GRCh38, 1-based): chr2:32,236,297-32,236,301, AAATC deleted on the plus strand (GATTT on the coding strand, the reverse complement: NLRC4 is on the minus strand); deleting any 5 consecutive bases within chr2:32,236,297-32,236,303 gives the same sequence; the c. name uses the placement nearest the transcript's 3' end. VCF-style (leftmost placement, unchanged base first): chr2-32236296-TAAATC-T. GRCh37 (hg19) VCF-style: chr2-32461365-TAAATC-T.
Other names: c.2558_2562delTTGAT, p.Asp854Ilefs (NM_001199139.2, NM_021209.5); c.563_567delTTGAT, p.Asp189Ilefs (NM_001302504.2); short protein forms D854fs, D189fs.
Identifiers: ClinVar variation 1037041 (VCV001037041.7), dbSNP rs1026050125, ClinGen allele CA44808520.
Genomic context (GRCh38, chr2:32,236,296, plus strand): 5'-GTCATTCTTACTCAGTTCATGAAGAGCTTCATTTCCATCTTTTTCCAGGTAATTTTCTGA[TAAATC>T]AAGAATGCTCAGTTTGACCAAATTGTGAAGATTCTGAGCTGGGGAAAAAAAGTAATCCAA-3'